The following is an entry in ClinVar:

NM_000844.4(GRM7):c.2388G>A (p.Thr796=)

Gene: GRM7 (glutamate metabotropic receptor 7; plus strand). Cytogenetic location: 3p26.1.
Variant type: single nucleotide variant.
Coding change: c.2388G>A on transcript NM_000844.4 (MANE Select); coding-DNA position 2388, G replaced by A.
Protein change: p.Thr796=; no amino-acid change (threonine 796 retained).
Molecular consequence: synonymous variant.
Genome position (GRCh38, 1-based): chr3:7,579,294, G>A. VCF-style: chr3-7579294-G-A. GRCh37 (hg19) VCF-style: chr3-7620981-G-A.
Other names: c.2388G>A, p.Thr796= (NM_181874.3).
Identifiers: ClinVar variation 789130 (VCV000789130.30), dbSNP rs117160055, ClinGen allele CA2235071.

ClinVar aggregate classification (germline): Benign/Likely benign. Review status: criteria provided, multiple submitters, no conflicts (2 of 4 stars). 2 submissions from 2 submitters: Benign (1); Likely benign (1). Last evaluated 2023-11-01.

Allele frequency attached by ClinVar (database versions not stated): ESP Exome Variant Server 0.00015; gnomAD 0.00020 and 0.00034; ExAC 0.00039; gnomAD exomes 0.00048; TOPMed 0.00052; 1000 Genomes Project 30x 0.00187; 1000 Genomes Project 0.00220.
gnomAD v4.1: 692 of 1,613,146 alleles (0.043%); highest among the groups gnomAD compares: East Asian, 0.88%; 2 homozygotes.

Submissions (2):

CeGaT Center for Human Genetics Tuebingen
Classification: Likely benign. Last evaluated: 2023-11-01. Review status: criteria provided, single submitter. Criteria: CeGaT Center For Human Genetics Tuebingen Variant Classification Criteria Version 2. Collection method: clinical testing. Allele origin: germline. Affected: yes. Observed: 1 variant allele.
Comment: GRM7: BP4, BP7

Labcorp Genetics (formerly Invitae), Labcorp
Classification: Benign. Last evaluated: 2023-10-04. Review status: criteria provided, single submitter. Criteria: Invitae Variant Classification Sherloc (09022015). Collection method: clinical testing. Allele origin: germline.